The following is an entry in ClinVar:

NM_152743.4(BRAT1):c.-7C>T

Gene: BRAT1 (BRCA1 associated ATM activator 1; minus strand). Cytogenetic location: 7p22.3.
Variant type: single nucleotide variant.
Coding change: c.-7C>T on transcript NM_152743.4 (MANE Select); 7 bases upstream of the start codon, C replaced by T.
Molecular consequence: 5 prime UTR variant. On other transcripts: non-coding transcript variant (1).
Genome position (GRCh38, 1-based): chr7:2,554,438, G>A on the plus strand (C>T on the coding strand, the complement: BRAT1 is on the minus strand). VCF-style: chr7-2554438-G-A. GRCh37 (hg19) VCF-style: chr7-2594072-G-A.
Other names: c.-7C>T (NM_152743.3, NM_001350626.2); c.-384C>T (NM_001350627.2).
Identifiers: ClinVar variation 3384797 (VCV003384797.3).
Genomic context (GRCh38, chr7:2,554,438, plus strand): 5'-ATCTACCAGAACAGCACAGAGAGCCGGGAGCAGCTGGGCGCATTCTGGGTCCATGGTGAG[G>A]CCGCAGGCCCTGCAAAGGCAATGTGAGAGCCAAACCTCAATGCCCACTCCAGACCCAGCT-3'

ClinVar aggregate classification (germline): Benign/Likely benign. Review status: criteria provided, multiple submitters, no conflicts (2 of 4 stars). 3 submissions from 3 submitters: Benign (1); Likely benign (2). Last evaluated 2024-11-13.

gnomAD v4.1: 1,665 of 1,612,164 alleles (0.1%); highest among the groups gnomAD compares: South Asian, 0.56%; 6 homozygotes.

Submissions (3):

Blueprint Genetics
Classification: Likely benign. Last evaluated: 2024-11-13. Review status: criteria provided, single submitter. Criteria: ACMG Guidelines, 2015. Collection method: clinical testing. Allele origin: germline.

Women's Health and Genetics/Laboratory Corporation of America, LabCorp
Classification: Benign. Last evaluated: 2024-10-09. Review status: criteria provided, single submitter. Criteria: LabCorp Variant Classification Summary - May 2015. Collection method: clinical testing. Allele origin: germline.
Comment: Variant summary: BRAT1 c.-7C>T is located in the untranslated mRNA region upstream of the initiation codon. The variant allele was found at a frequency of 0.001 in 1612164 control chromosomes, predominantly at a frequency of 0.0056 within the South Asian subpopulation in the gnomAD database, including 4 homozygotes (gnomAD database v4). The observed variant frequency within South Asian control individuals in the gnomAD database exceeds the estimated maximal expected allele frequency for a pathogenic variant in BRAT1 causing Neurodevelopmental Disorder With Cerebellar Atrophy And With Or Without Seizures phenotype. To our knowledge, no occurrence of c.-7C>T in individuals affected with Neurodevelopmental Disorder With Cerebellar Atrophy And With Or Without Seizures and no experimental evidence demonstrating its impact on protein function have been reported. No submitters have cited clinical-significance assessments for this variant to ClinVar. Based on the evidence outlined above, the variant was classified as benign.

Athena Diagnostics
Classification: Likely benign. Last evaluated: 2024-02-01. Review status: criteria provided, single submitter. Criteria: Athena Diagnostics Criteria. Collection method: clinical testing. Allele origin: unknown.